The following is an entry in ClinVar:

NM_001379291.1(BRD4):c.2158+2690G>C

Gene: BRD4 (bromodomain containing 4; minus strand). Cytogenetic location: 19p13.12.
Variant type: single nucleotide variant.
Coding change: c.2158+2690G>C on transcript NM_001379291.1 (MANE Select); 2690 bases into the intron after coding-DNA position 2158, G replaced by C.
Molecular consequence: intron variant.
Genome position (GRCh38, 1-based): chr19:15,251,462, C>G on the plus strand (G>C on the coding strand, the complement: BRD4 is on the minus strand). VCF-style: chr19-15251462-C-G. GRCh37 (hg19) VCF-style: chr19-15362273-C-G.
Other names: c.2158+2690G>C (NM_058243.3); c.2159-2172G>C (NM_001379292.1, NM_014299.3).
Identifiers: ClinVar variation 2649475 (VCV002649475.24), dbSNP rs1473147987, ClinGen allele CA631944219.

ClinVar aggregate classification (germline): Likely benign (1 of 4 stars; one submission).

Allele frequency attached by ClinVar (database versions not stated): gnomAD 0.00164.
gnomAD v4.1: 91 of 56,632 alleles (0.16%); highest among the groups gnomAD compares: Admixed American, 0.36%; no homozygotes.

Submission:

CeGaT Center for Human Genetics Tuebingen
Classification: Likely benign. Last evaluated: 2023-05-01. Review status: criteria provided, single submitter. Criteria: CeGaT Center For Human Genetics Tuebingen Variant Classification Criteria Version 2. Collection method: clinical testing. Allele origin: germline. Affected: yes. Observed: 2 variant alleles.
Comment: BRD4: BS1